The following is an entry in ClinVar:

ClinVar aggregate classification (germline): Pathogenic (1 of 4 stars; one submission).

Submission:

Labcorp Genetics (formerly Invitae), Labcorp
Classification: Pathogenic. Last evaluated: 2021-10-07. Review status: criteria provided, single submitter. Criteria: Invitae Variant Classification Sherloc (09022015). Collection method: clinical testing. Allele origin: germline.
Comment: This sequence change creates a premature translational stop signal (p.Gln929Thrfs*5) in the SPTB gene. It is expected to result in an absent or disrupted protein product. Loss-of-function variants in SPTB are known to be pathogenic (PMID: 8844207, 26830532, 27292444). This variant is not present in population databases (ExAC no frequency). This variant has not been reported in the literature in individuals affected with SPTB-related conditions. For these reasons, this variant has been classified as Pathogenic.

Literature cited by the submitters: PubMed 8844207; PubMed 26830532; PubMed 27292444.

NM_001355436.2(SPTB):c.2782_2783dup (p.Gln929fs)

Gene: SPTB (spectrin beta, erythrocytic; minus strand). Cytogenetic location: 14q23.3.
Variant type: Duplication.
Coding change: c.2782_2783dup on transcript NM_001355436.2 (MANE Select); coding-DNA positions 2782 to 2783, 2 bases duplicated (TA; older notation c.2782_2783dupTA).
Protein change: p.Gln929fs; shifts the reading frame from glutamine 929.
Molecular consequence: frameshift variant.
Genome position (GRCh38, 1-based): chr14:64,791,740-64,791,741, TA duplicated on the plus strand (TA on the coding strand, the reverse complement: SPTB is on the minus strand). VCF-style (leftmost placement, unchanged base first): chr14-64791739-G-GTA. GRCh37 (hg19) VCF-style: chr14-65258457-G-GTA.
Other names: c.2782_2783dup, p.Gln929fs (NM_001024858.4, NM_001355437.2); short protein forms Q929fs.
Identifiers: ClinVar variation 1451678 (VCV001451678.6), dbSNP rs2139587357, ClinGen allele CA2573150034.